The following is an entry in ClinVar:

ClinVar aggregate classification (germline): Uncertain significance. Review status: criteria provided, multiple submitters, no conflicts (2 of 4 stars). 2 submissions from 2 submitters: Uncertain significance (2). Last evaluated 2025-11-10.

Conditions:
Peroxisome biogenesis disorder 9B. Also called: PEX7-Related Refsum Disease; PEROXISOME BIOGENESIS DISORDER, PEX7-RELATED, ATYPICAL; Refsum disease, adult, 2. Identifiers: Orphanet 773, MedGen C2749346, MONDO:0013945, OMIM 614879.
Inborn genetic diseases. Identifiers: MedGen C0950123, MeSH D030342.

Allele frequency attached by ClinVar (database versions not stated): gnomAD 0.00001 and 0.00002; ExAC 0.00001; gnomAD exomes 0.00001.

Submissions (2):

Labcorp Genetics (formerly Invitae), Labcorp
Classification: Uncertain significance for Peroxisome biogenesis disorder 9B. Last evaluated: 2025-11-10. Review status: criteria provided, single submitter. Criteria: Invitae Variant Classification Sherloc (09022015). Collection method: clinical testing. Allele origin: germline.
Comment: This sequence change replaces valine, which is neutral and non-polar, with methionine, which is neutral and non-polar, at codon 257 of the PEX7 protein (p.Val257Met). This variant is present in population databases (rs771916687, gnomAD 0.006%). This variant has not been reported in the literature in individuals affected with PEX7-related conditions. ClinVar contains an entry for this variant (Variation ID: 1402405). An algorithm developed to predict the effect of missense changes on protein structure and function (PolyPhen-2) suggests that this variant is likely to be tolerated. In summary, the available evidence is currently insufficient to determine the role of this variant in disease. Therefore, it has been classified as a Variant of Uncertain Significance.

Ambry Genetics
Classification: Uncertain significance for Inborn genetic diseases. Last evaluated: 2025-05-19. Review status: criteria provided, single submitter. Criteria: Ambry Variant Classification Scheme 2023. Collection method: clinical testing. Allele origin: germline.

NM_000288.4(PEX7):c.769G>A (p.Val257Met)

Gene: PEX7 (peroxisomal biogenesis factor 7; plus strand). Cytogenetic location: 6q23.3.
Variant type: single nucleotide variant.
Coding change: c.769G>A on transcript NM_000288.4 (MANE Select); coding-DNA position 769, G replaced by A.
Protein change: p.Val257Met; replaces valine 257 with methionine.
Molecular consequence: missense variant.
Genome position (GRCh38, 1-based): chr6:136,872,219, G>A. VCF-style: chr6-136872219-G-A. GRCh37 (hg19) VCF-style: chr6-137193357-G-A.
Other names: c.769G>A (NM_000288.3); short protein forms V257M.
Identifiers: ClinVar variation 1402405 (VCV001402405.7), dbSNP rs771916687, ClinGen allele CA4017754.
Genomic context (GRCh38, chr6:136,872,219, plus strand): 5'-ACTTCAAAAAGGGTTTTTTTTTTCTTTTTTTTTTTGTAGTTTTCACCATTTCATGCTTCT[G>A]TGCTGGCCTCTTGCTCGTATGATTTTACTGTAAGGTACAGTGGTTTTTAATACATTTCAT-3'
Protein context (NP_000279.1, residues 247-267): RVKFSPFHAS[Val257Met]LASCSYDFTV